The following is an entry in ClinVar:

NM_004086.3(COCH):c.1651T>G (p.Ter551Glu)

Genes: COCH (cochlin; plus strand), COCH-AS1 (COCH antisense RNA 1; minus strand). Cytogenetic location: 14q12.
Variant type: single nucleotide variant.
Coding change: c.1651T>G on transcript NM_004086.3 (MANE Select); coding-DNA position 1651, T replaced by G.
Protein change: p.Ter551Glu.
Molecular consequence: stop lost. On other transcripts: non-coding transcript variant (1).
Genome position (GRCh38, 1-based): chr14:30,889,789, T>G. VCF-style: chr14-30889789-T-G. GRCh37 (hg19) VCF-style: chr14-31358995-T-G.
Other names: c.1651T>G, p.Ter551Glu (NM_001135058.2); c.1846T>G, p.Ter616Glu (NM_001347720.2).
Identifiers: ClinVar variation 4803815 (VCV004803815.1).

ClinVar aggregate classification (germline): Uncertain significance (1 of 4 stars; one submission).

gnomAD v4.1: 1 of 1,608,882 alleles (0.000062%); highest among the groups gnomAD compares: Non-Finnish European, 0.000085%; no homozygotes.

Submission:

Labcorp Genetics (formerly Invitae), Labcorp
Classification: Uncertain significance. Last evaluated: 2025-11-27. Review status: criteria provided, single submitter. Criteria: Invitae Variant Classification Sherloc (09022015). Collection method: clinical testing. Allele origin: germline.
Comment: This sequence change disrupts the translational stop signal of the COCH mRNA. It is expected to extend the length of the COCH protein by 2 additional amino acid residues. This variant is not present in population databases (gnomAD no frequency). This variant has not been reported in the literature in individuals affected with COCH-related conditions. Experimental studies and prediction algorithms are not available or were not evaluated, and the functional significance of this variant is currently unknown. In summary, the available evidence is currently insufficient to determine the role of this variant in disease. Therefore, it has been classified as a Variant of Uncertain Significance.